The following is an entry in ClinVar:

NM_001365951.3(KIF1B):c.521T>G (p.Leu174Arg)

Gene: KIF1B (kinesin family member 1B; plus strand). Cytogenetic location: 1p36.22.
Variant type: single nucleotide variant.
Coding change: c.521T>G on transcript NM_001365951.3 (MANE Select); coding-DNA position 521, T replaced by G.
Protein change: p.Leu174Arg; replaces leucine 174 with arginine.
Molecular consequence: missense variant.
Genome position (GRCh38, 1-based): chr1:10,267,471, T>G. VCF-style: chr1-10267471-T-G. GRCh37 (hg19) VCF-style: chr1-10327529-T-G.
Other names: c.521T>G, p.Leu174Arg (NM_001365952.1, NM_001365953.1, NM_015074.3 and 1 more transcripts); short protein forms L174R.
Identifiers: ClinVar variation 3864028 (VCV003864028.1).
Genomic context (GRCh38, chr1:10,267,471, plus strand): 5'-TACGAGATTTGCTGAATCCAAAAAACAAGGGTAATTTGCGTGTGCGTGAACACCCACTTC[T>G]TGGACCCTATGTGGAGGATCTGTCCAAGTTGGCAGTTACTTCCTACACAGACATTGCTGA-3'
Protein context (NP_001352880.1, residues 164-184): GNLRVREHPL[Leu174Arg]GPYVEDLSKL

ClinVar aggregate classification (germline): Uncertain significance (1 of 4 stars; one submission).

Submission:

Ambry Genetics
Classification: Uncertain significance. Last evaluated: 2025-02-05. Review status: criteria provided, single submitter. Criteria: Ambry Variant Classification Scheme 2023. Collection method: clinical testing. Allele origin: germline.
Comment: The p.L174R variant (also known as c.521T>G), located in coding exon 5 of the KIF1B gene, results from a T to G substitution at nucleotide position 521. The leucine at codon 174 is replaced by arginine, an amino acid with dissimilar properties. This amino acid position is conserved. In addition, the in silico prediction for this alteration is inconclusive. Based on the available evidence, the clinical significance of this variant remains unclear.